The following is an entry in ClinVar:

NM_144643.4(SCLT1):c.1757A>G (p.Lys586Arg)

Gene: SCLT1 (sodium channel and clathrin linker 1; minus strand). Cytogenetic location: 4q28.2.
Variant type: single nucleotide variant.
Coding change: c.1757A>G on transcript NM_144643.4 (MANE Select); coding-DNA position 1757, A replaced by G.
Protein change: p.Lys586Arg; replaces lysine 586 with arginine.
Molecular consequence: missense variant.
Genome position (GRCh38, 1-based): chr4:128,936,727, T>C on the plus strand (A>G on the coding strand, the complement: SCLT1 is on the minus strand). VCF-style: chr4-128936727-T-C. GRCh37 (hg19) VCF-style: chr4-129857882-T-C.
Other names: c.1757A>G (NM_144643.2, NM_144643.3); short protein forms K586R.
Identifiers: ClinVar variation 1382365 (VCV001382365.6), dbSNP rs572035718, ClinGen allele CA3079528.

ClinVar aggregate classification (germline): Uncertain significance. Review status: criteria provided, multiple submitters, no conflicts (2 of 4 stars). 3 submissions from 3 submitters: Uncertain significance (3). Last evaluated 2026-06-16.

Conditions:
SCLT1-related disorder. Also called: SCLT1-related condition.

Allele frequency attached by ClinVar (database versions not stated): gnomAD 0.00005; ExAC 0.00006; gnomAD exomes 0.00006.
gnomAD v4.1: 86 of 1,612,458 alleles (0.0053%); highest among the groups gnomAD compares: Non-Finnish European, 0.0069%; no homozygotes.

Submissions (3):

PreventionGenetics, part of Exact Sciences
Classification: Uncertain significance for SCLT1-related condition. Last evaluated: 2026-06-16. Review status: criteria provided, single submitter. Criteria: ACMG Guidelines, 2015. Collection method: clinical testing. Allele origin: germline.
Comment: The SCLT1 c.1757A>G variant is predicted to result in the amino acid substitution p.Lys586Arg. To our knowledge, this variant has not been reported in the literature. This variant is reported in 0.012% of alleles in individuals of European (Non-Finnish) descent in gnomAD. At this time, the clinical significance of this variant is uncertain due to the absence of conclusive functional and genetic evidence.

Ambry Genetics
Classification: Uncertain significance. Last evaluated: 2024-12-16. Review status: criteria provided, single submitter. Criteria: Ambry Variant Classification Scheme 2023. Collection method: clinical testing. Allele origin: germline.

Labcorp Genetics (formerly Invitae), Labcorp
Classification: Uncertain significance. Last evaluated: 2022-09-01. Review status: criteria provided, single submitter. Criteria: Invitae Variant Classification Sherloc (09022015). Collection method: clinical testing. Allele origin: germline.
Comment: This sequence change replaces lysine, which is basic and polar, with arginine, which is basic and polar, at codon 586 of the SCLT1 protein (p.Lys586Arg). In summary, the available evidence is currently insufficient to determine the role of this variant in disease. Therefore, it has been classified as a Variant of Uncertain Significance. Algorithms developed to predict the effect of missense changes on protein structure and function (SIFT, PolyPhen-2, Align-GVGD) all suggest that this variant is likely to be disruptive. ClinVar contains an entry for this variant (Variation ID: 1382365). This variant has not been reported in the literature in individuals affected with SCLT1-related conditions. This variant is present in population databases (rs572035718, gnomAD 0.01%).